The following is an entry in ClinVar:

NM_177977.3(HAP1):c.1812_1813dup (p.Ala605fs)

Gene: HAP1 (huntingtin associated protein 1; minus strand). Cytogenetic location: 17q21.2.
Variant type: Duplication.
Coding change: c.1812_1813dup on transcript NM_177977.3 (MANE Select); coding-DNA positions 1812 to 1813, 2 bases duplicated (GG; older notation c.1812_1813dupGG).
Protein change: p.Ala605fs; shifts the reading frame from alanine 605.
Molecular consequence: frameshift variant. On other transcripts: intron variant (4).
Genome position (GRCh38, 1-based): chr17:41,724,748-41,724,749, CC duplicated on the plus strand (GG on the coding strand, the reverse complement: HAP1 is on the minus strand); duplicating any 2 consecutive bases within chr17:41,724,748-41,724,751 gives the same sequence; the c. name uses the placement nearest the transcript's 3' end. VCF-style (leftmost placement, unchanged base first): chr17-41724747-G-GCC. GRCh37 (hg19) VCF-style: chr17-39880999-G-GCC.
Other names: c.1761_1762dup, p.Ala588fs (NM_001079870.1); c.1737_1738dup, p.Ala580fs (NM_001079871.1); c.1331+1110_1331+1111dup (NM_001367462.1); c.1720+17_1720+18dup (NM_001367461.1); c.1855+17_1855+18dup (NM_001367460.1); c.1891+17_1891+18dup (NM_001367459.1); short protein forms A580fs, A588fs, A605fs.
Identifiers: ClinVar variation 2637041 (VCV002637041.1), dbSNP rs1555588155, ClinGen allele CA2695201329.

ClinVar aggregate classification (germline): Uncertain significance (1 of 4 stars; one submission).

Conditions:
HAP1-related disorder. Also called: HAP1-related condition.

Submission:

PreventionGenetics, part of Exact Sciences
Classification: Uncertain significance for HAP1-related condition. Last evaluated: 2023-05-31. Review status: criteria provided, single submitter. Criteria: ACMG Guidelines, 2015. Collection method: clinical testing. Allele origin: germline.
Comment: The HAP1 c.1812_1813dupGG variant is predicted to result in a frameshift and premature protein termination (p.Ala605Glyfs*49). To our knowledge, this variant has not been reported in the literature or in a large population database, indicating this variant is rare. At this time, the clinical significance of this variant is uncertain due to the absence of conclusive functional and genetic evidence.